The following is an entry in ClinVar:

NM_152703.5(SAMD9L):c.4180A>G (p.Lys1394Glu)

Gene: SAMD9L (sterile alpha motif domain containing 9 like; minus strand). Cytogenetic location: 7q21.2.
Variant type: single nucleotide variant.
Coding change: c.4180A>G on transcript NM_152703.5 (MANE Select); coding-DNA position 4180, A replaced by G.
Protein change: p.Lys1394Glu; replaces lysine 1394 with glutamic acid.
Molecular consequence: missense variant.
Genome position (GRCh38, 1-based): chr7:93,131,792, T>C on the plus strand (A>G on the coding strand, the complement: SAMD9L is on the minus strand). VCF-style: chr7-93131792-T-C. GRCh37 (hg19) VCF-style: chr7-92761105-T-C.
Other names: c.4180A>G (NM_152703.2); c.4180A>G, p.Lys1394Glu (NM_001303496.3, NM_001303497.3, NM_001303498.3 and 5 more transcripts); short protein forms K1394E.
Identifiers: ClinVar variation 4744646 (VCV004744646.2).

ClinVar aggregate classification (germline): Uncertain significance. Review status: criteria provided, multiple submitters, no conflicts (2 of 4 stars). 2 submissions from 2 submitters: Uncertain significance (2). Last evaluated 2026-04-13.

Conditions:
Inborn genetic diseases. Identifiers: MedGen C0950123, MeSH D030342.

gnomAD v4.1: 1 of 1,613,580 alleles (0.000062%); highest among the groups gnomAD compares: Non-Finnish European, 0.000085%; no homozygotes.

Submissions (2):

Ambry Genetics
Classification: Uncertain significance for Inborn genetic diseases. Last evaluated: 2026-04-13. Review status: criteria provided, single submitter. Criteria: Ambry Variant Classification Scheme 2023. Collection method: clinical testing. Allele origin: germline.
Comment: The p.K1394E variant (also known as c.4180A>G), located in coding exon 1 of the SAMD9L gene, results from an A to G substitution at nucleotide position 4180. The lysine at codon 1394 is replaced by glutamic acid, an amino acid with similar properties. This amino acid position is conserved. In addition, this alteration is predicted to be tolerated by in silico analysis. Based on the available evidence, the clinical significance of this variant remains unclear.

Labcorp Genetics (formerly Invitae), Labcorp
Classification: Uncertain significance. Last evaluated: 2025-02-20. Review status: criteria provided, single submitter. Criteria: Invitae Variant Classification Sherloc (09022015). Collection method: clinical testing. Allele origin: germline.
Comment: This sequence change replaces lysine, which is basic and polar, with glutamic acid, which is acidic and polar, at codon 1394 of the SAMD9L protein (p.Lys1394Glu). This variant is not present in population databases (gnomAD no frequency). This variant has not been reported in the literature in individuals affected with SAMD9L-related conditions. Invitae Evidence Modeling of protein sequence and biophysical properties (such as structural, functional, and spatial information, amino acid conservation, physicochemical variation, residue mobility, and thermodynamic stability) has been performed for this missense variant. However, the output from this modeling did not meet the statistical confidence thresholds required to predict the impact of this variant on SAMD9L protein function. In summary, the available evidence is currently insufficient to determine the role of this variant in disease. Therefore, it has been classified as a Variant of Uncertain Significance.